The following is an entry in ClinVar:

ClinVar aggregate classification (germline): Uncertain significance (1 of 4 stars; one submission).

Conditions:
Cranium bifidum occultum. Also called: Enlarged Parietal Foramina; CATLIN MARKS; CRANIUM BIFIDUM, HEREDITARY. Identifiers: MedGen C1868598, HP:0004423.

Allele frequency attached by ClinVar (database versions not stated): gnomAD exomes below 0.00001; TOPMed below 0.00001.

Submission:

Labcorp Genetics (formerly Invitae), Labcorp
Classification: Uncertain significance for Cranium bifidum occultum. Last evaluated: 2023-05-26. Review status: criteria provided, single submitter. Criteria: Invitae Variant Classification Sherloc (09022015). Collection method: clinical testing. Allele origin: germline.
Comment: In summary, the available evidence is currently insufficient to determine the role of this variant in disease. Therefore, it has been classified as a Variant of Uncertain Significance. Experimental studies and prediction algorithms are not available or were not evaluated, and the functional significance of this variant is currently unknown. This variant has not been reported in the literature in individuals affected with MSX2-related conditions. This variant is not present in population databases (gnomAD no frequency). This sequence change affects the initiator methionine of the MSX2 mRNA. The next in-frame methionine is located at codon 53.

NM_002449.5(MSX2):c.2T>C (p.Met1Thr)

Gene: MSX2 (msh homeobox 2; plus strand). Cytogenetic location: 5q35.2.
Variant type: single nucleotide variant.
Coding change: c.2T>C on transcript NM_002449.5 (MANE Select); coding-DNA position 2, T replaced by C.
Protein change: p.Met1Thr; changes the start codon (methionine 1).
Molecular consequence: missense variant, initiator codon variant.
Genome position (GRCh38, 1-based): chr5:174,724,661, T>C. VCF-style: chr5-174724661-T-C. GRCh37 (hg19) VCF-style: chr5-174151664-T-C.
Other names: c.2T>C, p.Met1Thr (NM_001363626.2); short protein forms M1T.
Identifiers: ClinVar variation 2907304 (VCV002907304.3), dbSNP rs1321728260, ClinGen allele CA362228914.